The following is an entry in ClinVar:

ClinVar aggregate classification (germline): Uncertain significance (1 of 4 stars; one submission).

Conditions:
Familial sleep-related hypermotor epilepsy. Also called: Autosomal Dominant Sleep-Related Hypermotor (Hyperkinetic) Epilepsy. Identifiers: Orphanet 98784, MedGen C3696898, MONDO:0000030.

Submission:

Labcorp Genetics (formerly Invitae), Labcorp
Classification: Uncertain significance. Last evaluated: 2022-12-16. Review status: criteria provided, single submitter. Criteria: Invitae Variant Classification Sherloc (09022015). Collection method: clinical testing. Allele origin: germline.
Comment: In summary, the available evidence is currently insufficient to determine the role of this variant in disease. Therefore, it has been classified as a Variant of Uncertain Significance. Experimental studies and prediction algorithms are not available or were not evaluated, and the functional significance of this variant is currently unknown. This variant has not been reported in the literature in individuals affected with CHRNA4-related conditions. Information on the frequency of this variant in the gnomAD database is not available, as this variant may be reported differently in the database. This sequence change replaces arginine, which is basic and polar, with leucine, which is neutral and non-polar, at codon 10 of the CHRNA4 protein (p.Arg10Leu).

NM_000744.7(CHRNA4):c.28_29delinsTT (p.Arg10Leu)

Genes: CHRNA4 (cholinergic receptor nicotinic alpha 4 subunit; minus strand), LOC100130587 (uncharacterized LOC100130587; plus strand). Cytogenetic location: 20q13.33.
Variant type: Indel.
Coding change: c.28_29delinsTT on transcript NM_000744.7 (MANE Select); coding-DNA positions 28 to 29, CG replaced by TT.
Protein change: p.Arg10Leu; replaces arginine 10 with leucine.
Molecular consequence: missense variant. On other transcripts: non-coding transcript variant (1), intron variant (1).
Genome position (GRCh38, 1-based): chr20:63,361,137-63,361,138, CG replaced by AA on the plus strand (CG replaced by TT on the coding strand, the reverse complement: CHRNA4 is on the minus strand). VCF-style: chr20-63361137-CG-AA. GRCh37 (hg19) VCF-style: chr20-61992489-CG-AA.
Other names: c.-471+39_-471+40delinsTT (NM_001256573.2); short protein forms R10L.
Identifiers: ClinVar variation 2821590 (VCV002821590.3), dbSNP rs2516580169, ClinGen allele CA2739277232.
Genomic context (GRCh38, chr20:63,361,137, plus strand): 5'-CCCCGTAACTTACCGCGCAGGAGGCCGGTCCCCAGAAGCAGCAGCAGCGGCGGCAGCAGC[CG>AA]CGGCGCTCCGGGGCCCCCTAGCTCCATGGCGCACGCACCTCGCGGGCTCTAGATGCGGGC-3'
Protein context (NP_000735.1, residues 1-20): MELGGPGAP[Arg10Leu]LLPPLLLLLG